The following is an entry in ClinVar:

NM_006947.4(SRP72):c.1790A>T (p.Gln597Leu)

Gene: SRP72 (signal recognition particle 72; plus strand). Cytogenetic location: 4q12.
Variant type: single nucleotide variant.
Coding change: c.1790A>T on transcript NM_006947.4 (MANE Select); coding-DNA position 1790, A replaced by T.
Protein change: p.Gln597Leu; replaces glutamine 597 with leucine.
Molecular consequence: missense variant. On other transcripts: non-coding transcript variant (1).
Genome position (GRCh38, 1-based): chr4:56,500,647, A>T. VCF-style: chr4-56500647-A-T. GRCh37 (hg19) VCF-style: chr4-57366813-A-T.
Other names: c.1607A>T, p.Gln536Leu (NM_001267722.2); short protein forms Q597L, Q536L.
Identifiers: ClinVar variation 3962051 (VCV003962051.1).

ClinVar aggregate classification (germline): Uncertain significance (1 of 4 stars; one submission).

Submission:

Ambry Genetics
Classification: Uncertain significance. Last evaluated: 2025-04-03. Review status: criteria provided, single submitter. Criteria: Ambry Variant Classification Scheme 2023. Collection method: clinical testing. Allele origin: germline.
Comment: The p.Q597L variant (also known as c.1790A>T), located in coding exon 18 of the SRP72 gene, results from an A to T substitution at nucleotide position 1790. The glutamine at codon 597 is replaced by leucine, an amino acid with dissimilar properties. This amino acid position is conserved. In addition, this alteration is predicted to be tolerated by in silico analysis. Based on the available evidence, the clinical significance of this variant remains unclear.